The following is an entry in ClinVar:

NM_000540.3(RYR1):c.5289G>A (p.Pro1763=)

Gene: RYR1 (ryanodine receptor 1; plus strand). Cytogenetic location: 19q13.2.
Variant type: single nucleotide variant.
Coding change: c.5289G>A on transcript NM_000540.3 (MANE Select); coding-DNA position 5289, G replaced by A.
Protein change: p.Pro1763=; no amino-acid change (proline 1763 retained).
Molecular consequence: synonymous variant.
Genome position (GRCh38, 1-based): chr19:38,485,944, G>A. VCF-style: chr19-38485944-G-A. GRCh37 (hg19) VCF-style: chr19-38976584-G-A.
Other names: c.5289G>A, p.Pro1763= (NM_001042723.2).
Identifiers: ClinVar variation 515062 (VCV000515062.10), dbSNP rs376482004, ClinGen allele CA066858.

ClinVar aggregate classification (germline): Conflicting classifications of pathogenicity. Review status: criteria provided, conflicting classifications (1 of 4 stars). 4 submissions from 4 submitters: Uncertain significance (1); Likely benign (3). Last evaluated 2025-04-27.

Conditions:
RYR1-related disorder. Also called: RYR1-related disorders; RYR1-related condition. Identifiers: MedGen CN239331.
Malignant hyperthermia, susceptibility to, 1 (MHS1). Also called: Anesthesia related hyperthermia; Malignant hyperpyrexia; Fulminating hyperpyrexia; Pharmacogenic myopathy; RYR1-Related Malignant Hyperthermia Susceptibility; Malignant hyperthermia suceptibility 1. Identifiers: Orphanet 423, MedGen C2930980, MONDO:0007783, OMIM 145600.

Allele frequency attached by ClinVar (database versions not stated): gnomAD 0.00008; TOPMed 0.00010; ESP Exome Variant Server 0.00023.
gnomAD v4.1: 19 of 1,613,694 alleles (0.0012%); highest among the groups gnomAD compares: African/African-American, 0.019%; no homozygotes.

Submissions (4):

Labcorp Genetics (formerly Invitae), Labcorp
Classification: Likely benign for RYR1-related disorder. Last evaluated: 2025-04-27. Review status: criteria provided, single submitter. Criteria: Invitae Variant Classification Sherloc (09022015). Collection method: clinical testing. Allele origin: germline.

Color Diagnostics, LLC DBA Color Health
Classification: Likely benign for Malignant hyperthermia, susceptibility to, 1. Last evaluated: 2024-03-19. Review status: criteria provided, single submitter. Criteria: ACMG Guidelines, 2015. Collection method: clinical testing. Allele origin: germline.

Revvity Omics, Revvity
Classification: Uncertain significance. Last evaluated: 2022-05-23. Review status: criteria provided, single submitter. Criteria: ACMG Guidelines, 2015. Collection method: clinical testing. Allele origin: germline.

GeneDx
Classification: Likely benign. Last evaluated: 2018-01-25. Review status: criteria provided, single submitter. Criteria: GeneDx Variant Classification (06012015). Collection method: clinical testing. Allele origin: germline. Affected: yes.
Comment: This variant is considered likely benign or benign based on one or more of the following criteria: it is a conservative change, it occurs at a poorly conserved position in the protein, it is predicted to be benign by multiple in silico algorithms, and/or has population frequency not consistent with disease.